The following is an entry in ClinVar:

NM_001278512.2(AP3B2):c.2960T>C (p.Val987Ala)

Genes: AP3B2 (adaptor related protein complex 3 subunit beta 2; minus strand), CPEB1-AS1 (CPEB1 antisense RNA 1; plus strand). Cytogenetic location: 15q25.2.
Variant type: single nucleotide variant.
Coding change: c.2960T>C on transcript NM_001278512.2 (MANE Select); coding-DNA position 2960, T replaced by C.
Protein change: p.Val987Ala; replaces valine 987 with alanine.
Molecular consequence: missense variant.
Genome position (GRCh38, 1-based): chr15:82,661,881, A>G on the plus strand (T>C on the coding strand, the complement: AP3B2 is on the minus strand). VCF-style: chr15-82661881-A-G. GRCh37 (hg19) VCF-style: chr15-83330633-A-G.
Other names: c.2807T>C, p.Val936Ala (NM_001278511.2); c.92T>C, p.Val31Ala (NM_001348441.2); c.2903T>C, p.Val968Ala (NM_004644.5); short protein forms V31A, V936A, V968A, V987A.
Identifiers: ClinVar variation 1435138 (VCV001435138.5), dbSNP rs376590992, ClinGen allele CA7699739.

ClinVar aggregate classification (germline): Uncertain significance (1 of 4 stars; one submission).

Allele frequency attached by ClinVar (database versions not stated): ExAC 0.00004; gnomAD exomes 0.00004 and 0.00007; gnomAD 0.00005; TOPMed 0.00008; ESP Exome Variant Server 0.00016.
gnomAD v4.1: 113 of 1,613,804 alleles (0.007%); highest among the groups gnomAD compares: Non-Finnish European, 0.0088%; no homozygotes.

Submission:

Labcorp Genetics (formerly Invitae), Labcorp
Classification: Uncertain significance. Last evaluated: 2022-04-19. Review status: criteria provided, single submitter. Criteria: Invitae Variant Classification Sherloc (09022015). Collection method: clinical testing. Allele origin: germline.
Comment: This sequence change replaces valine, which is neutral and non-polar, with alanine, which is neutral and non-polar, at codon 968 of the AP3B2 protein (p.Val968Ala). This variant is present in population databases (rs376590992, gnomAD 0.007%). This variant has not been reported in the literature in individuals affected with AP3B2-related conditions. Algorithms developed to predict the effect of missense changes on protein structure and function (SIFT, PolyPhen-2, Align-GVGD) all suggest that this variant is likely to be tolerated. In summary, the available evidence is currently insufficient to determine the role of this variant in disease. Therefore, it has been classified as a Variant of Uncertain Significance.